The following is an entry in ClinVar:

ClinVar aggregate classification (germline): Uncertain significance (1 of 4 stars; one submission).

Submission:

GeneDx
Classification: Uncertain significance. Last evaluated: 2025-03-27. Review status: criteria provided, single submitter. Criteria: GeneDx Variant Classification Process June 2021. Collection method: clinical testing. Allele origin: germline. Affected: yes.
Comment: Not observed at significant frequency in large population cohorts (gnomAD); In silico analysis indicates that this missense variant does not alter protein structure/function; Has not been previously published as pathogenic or benign to our knowledge

NM_020988.3(GNAO1):c.349A>G (p.Thr117Ala)

Gene: GNAO1 (G protein subunit alpha o1; plus strand). Cytogenetic location: 16q13.
Variant type: single nucleotide variant.
Coding change: c.349A>G on transcript NM_020988.3 (MANE Select); coding-DNA position 349, A replaced by G.
Protein change: p.Thr117Ala; replaces threonine 117 with alanine.
Molecular consequence: missense variant.
Genome position (GRCh38, 1-based): chr16:56,328,676, A>G. VCF-style: chr16-56328676-A-G. GRCh37 (hg19) VCF-style: chr16-56362588-A-G.
Other names: c.349A>G, p.Thr117Ala (NM_138736.3); short protein forms T117A.
Identifiers: ClinVar variation 4088059 (VCV004088059.1).